The following is an entry in ClinVar:

ClinVar aggregate classification (germline): Likely pathogenic (1 of 4 stars; one submission).

Conditions:
Warsaw breakage syndrome (WABS). Also called: DDX11-Related Cohesinopathy. Identifiers: Orphanet 280558, MedGen C3150658, MONDO:0013252, OMIM 613398.

gnomAD v4.1: 61 of 1,609,146 alleles (0.0038%); highest among the groups gnomAD compares: East Asian, 0.011%; no homozygotes.

Submission:

Women's Health and Genetics/Laboratory Corporation of America, LabCorp
Classification: Likely pathogenic for Warsaw breakage syndrome. Last evaluated: 2026-06-29. Review status: criteria provided, single submitter. Criteria: LabCorp Variant Classification Summary - May 2015. Collection method: clinical testing. Allele origin: germline.
Comment: Variant summary: DDX11 c.639-1G>C is located in a canonical splice-site and is predicted to affect mRNA splicing resulting in a significantly altered protein due to either exon skipping, shortening, or inclusion of intronic material. Variants that disrupt the consensus splice site are a relatively common cause of aberrant splicing and loss of DDX11 function. Computational tools predict a significant impact on normal splicing: Three predict the variant abolishes a 3' acceptor site. Two predict the variant creates a 3' acceptor site. However, these predictions have yet to be confirmed by functional studies. The variant allele was found at a frequency of 4.1e-05 in 244206 control chromosomes (gnomAD). This frequency is not significantly higher than estimated for disease-causing variants in DDX11, allowing no conclusion about variant significance. To our knowledge, no occurrence of c.639-1G>C in individuals affected with DDX11-related conditions and no experimental evidence demonstrating its impact on protein function have been reported. No submitters have cited clinical-significance assessments for this variant to ClinVar. Based on the evidence outlined above, the variant was classified as likely pathogenic.

NM_030653.4(DDX11):c.639-1G>C

Gene: DDX11 (DEAD/H-box helicase 11; plus strand). Cytogenetic location: 12p11.21.
Variant type: single nucleotide variant.
Coding change: c.639-1G>C on transcript NM_030653.4 (MANE Select); the canonical splice acceptor site of the intron before coding-DNA position 639, G replaced by C.
Molecular consequence: splice acceptor variant.
Genome position (GRCh38, 1-based): chr12:31,087,937, G>C. VCF-style: chr12-31087937-G-C. GRCh37 (hg19) VCF-style: chr12-31240871-G-C.
Other names: c.639-1G>C (NM_001413693.1, NM_152438.2, NM_004399.3 and 5 more transcripts); c.-223-1G>C (NM_001413705.1, NM_001413704.1); c.-240-1G>C (NM_001413706.1); c.552-1G>C (NM_001413700.1); c.111-1G>C (NM_001413702.1, NM_001413703.1); c.561-1G>C (NM_001413697.1, NM_001413699.1, NM_001257145.2 and 1 more transcripts).
Identifiers: ClinVar variation 4887615 (VCV004887615.1).